The following is an entry in ClinVar:

ClinVar aggregate classification (germline): Uncertain significance. Review status: criteria provided, multiple submitters, no conflicts (2 of 4 stars). 2 submissions from 2 submitters: Uncertain significance (2). Last evaluated 2022-11-01.

Allele frequency attached by ClinVar (database versions not stated): ExAC 0.00005; gnomAD exomes 0.00007.
gnomAD v4.1: 96 of 1,550,172 alleles (0.0062%); highest among the groups gnomAD compares: Non-Finnish European, 0.0084%; no homozygotes.

Submissions (2):

Blueprint Genetics
Classification: Uncertain significance. Last evaluated: 2022-11-01. Review status: criteria provided, single submitter. Criteria: ACMG Guidelines, 2015. Collection method: clinical testing. Allele origin: germline.

Labcorp Genetics (formerly Invitae), Labcorp
Classification: Uncertain significance. Last evaluated: 2022-05-04. Review status: criteria provided, single submitter. Criteria: Invitae Variant Classification Sherloc (09022015). Collection method: clinical testing. Allele origin: germline.
Comment: This sequence change replaces histidine, which is basic and polar, with glutamine, which is neutral and polar, at codon 2739 of the EYS protein (p.His2739Gln). This variant is present in population databases (rs773389004, gnomAD 0.001%). This variant has not been reported in the literature in individuals affected with EYS-related conditions. Algorithms developed to predict the effect of missense changes on protein structure and function are either unavailable or do not agree on the potential impact of this missense change (SIFT: "Deleterious"; PolyPhen-2: "Benign"; Align-GVGD: "Class C0"). In summary, the available evidence is currently insufficient to determine the role of this variant in disease. Therefore, it has been classified as a Variant of Uncertain Significance.

NM_001142800.2(EYS):c.8217C>A (p.His2739Gln)

Gene: EYS (EGF-like photoreceptor maintenance factor; minus strand). Cytogenetic location: 6q12.
Variant type: single nucleotide variant.
Coding change: c.8217C>A on transcript NM_001142800.2 (MANE Select); coding-DNA position 8217, C replaced by A.
Protein change: p.His2739Gln; replaces histidine 2739 with glutamine.
Molecular consequence: missense variant.
Genome position (GRCh38, 1-based): chr6:63,726,535, G>T on the plus strand (C>A on the coding strand, the complement: EYS is on the minus strand). VCF-style: chr6-63726535-G-T. GRCh37 (hg19) VCF-style: chr6-64436428-G-T.
Other names: c.8280C>A, p.His2760Gln (NM_001292009.2); short protein forms H2739Q, H2760Q.
Identifiers: ClinVar variation 1450415 (VCV001450415.4), dbSNP rs773389004, ClinGen allele CA3876721.